The following is an entry in ClinVar:

ClinVar aggregate classification (germline): Conflicting classifications of pathogenicity. Review status: criteria provided, conflicting classifications (1 of 4 stars). 6 submissions from 6 submitters: Uncertain significance (5); Likely benign (1). Last evaluated 2026-08-25.

Conditions:
Familial thoracic aortic aneurysm and aortic dissection (TAAD). Also called: Thoracic aortic aneurysms and dissections. Identifiers: Orphanet 91387, MedGen C4707243, MONDO:0019625.
Marfan syndrome (MFS). Also called: Marfan syndrome type 1; Marfan's syndrome; Marfan syndrome, classic; FBN1-Related Marfan Syndrome; MARFAN SYNDROME, TYPE I. Identifiers: Orphanet 284963, Orphanet 558, MedGen C0024796, MONDO:0007947, OMIM 154700.
Weill-Marchesani syndrome 2, dominant. Also called: Weill-Marchesani Syndrome, Autosomal Dominant; FBN1-Related Weill-Marchesani Syndrome. Identifiers: Orphanet 2084, MedGen C1869115, MONDO:0012013, OMIM 608328.

Allele frequency attached by ClinVar (database versions not stated): gnomAD exomes 0.00001 and below 0.00001; ExAC 0.00001.

Submissions (6):

Ambry Genetics
Classification: Uncertain significance for Familial thoracic aortic aneurysm and aortic dissection. Last evaluated: 2026-08-25. Review status: criteria provided, single submitter. Criteria: Ambry Variant Classification Scheme 2023. Collection method: clinical testing. Allele origin: germline.
Comment: The p.N1417S variant (also known as c.4250A>G), located in coding exon 34 of the FBN1 gene, results from an A to G substitution at nucleotide position 4250. The asparagine at codon 1417 is replaced by serine, an amino acid with highly similar properties. This amino acid position is well conserved in available vertebrate species. In addition, the in silico prediction for this alteration is inconclusive. Based on the available evidence, the clinical significance of this variant remains unclear.

Color Diagnostics, LLC DBA Color Health
Classification: Uncertain significance for Familial thoracic aortic aneurysm and aortic dissection. Last evaluated: 2025-06-11. Review status: criteria provided, single submitter. Criteria: ACMG Guidelines, 2015. Collection method: clinical testing. Allele origin: germline.
Comment: This missense variant replaces asparagine with serine at codon 1417 of the FBN1 protein. Computational prediction suggests that this variant may not impact protein structure and function. To our knowledge, functional studies have not been reported for this variant. This variant has been reported in an individual affected with dilated cardiomyopathy (PMID: 37904629). This variant has been identified in 2/251436 chromosomes in the general population by the Genome Aggregation Database (gnomAD). The available evidence is insufficient to determine the role of this variant in disease conclusively. Therefore, this variant is classified as a Variant of Uncertain Significance.

All of Us Research Program, National Institutes of Health
Classification: Uncertain significance for Marfan syndrome. Last evaluated: 2023-09-04. Review status: criteria provided, single submitter. Criteria: ACMG Guidelines, 2015. Collection method: clinical testing. Allele origin: germline. Inheritance: Autosomal dominant inheritance. Observed: 3 variant alleles, 3 heterozygotes.
Comment: This missense variant replaces asparagine with serine at codon 1417 of the FBN1 protein. Computational prediction suggests that this variant may not impact protein structure and function (internally defined REVEL score threshold <= 0.5, PMID: 27666373). To our knowledge, functional studies have not been reported for this variant. This variant has not been reported in individuals affected with cardiovascular disorders in the literature. This variant has been identified in 2/251436 chromosomes in the general population by the Genome Aggregation Database (gnomAD). The available evidence is insufficient to determine the role of this variant in disease conclusively. Therefore, this variant is classified as a Variant of Uncertain Significance.

This study involves interpretation of variants in research participants for the purpose of population health screening. Participant phenotype was not available at the time of variant classification. Additional details can be found in publication PMID: 35346344, PMCID: PMC8962531

Institute of Human Genetics, University of Leipzig Medical Center
Classification: Uncertain significance for Marfan syndrome. Last evaluated: 2023-03-29. Review status: criteria provided, single submitter. Criteria: ACMG Guidelines, 2015. Collection method: clinical testing. Allele origin: unknown. Inheritance: Autosomal dominant inheritance. Affected: yes.
Comment: Criteria applied: pm2_sup, pp2

Labcorp Genetics (formerly Invitae), Labcorp
Classification: Likely benign for Marfan syndrome; Familial thoracic aortic aneurysm and aortic dissection. Last evaluated: 2023-02-09. Review status: criteria provided, single submitter. Criteria: Invitae Variant Classification Sherloc (09022015). Collection method: clinical testing. Allele origin: germline.

Neuberg Centre For Genomic Medicine, NCGM
Classification: Uncertain significance for Weill-Marchesani syndrome 2, dominant. Review status: criteria provided, single submitter. Criteria: ACMG Guidelines, 2015. Collection method: clinical testing. Allele origin: germline. Inheritance: Autosomal dominant inheritance. Affected: yes.
Comment: The missense c.4250A>G p.Asn1417Ser variant in FBN1 gene has not been reported previously as a pathogenic variant nor as a benign variant, to our knowledge. The p.Asn1417Ser variant is reported with an allele frequency of 0.0008% in the gnomAD exomes database and is novel not in any individuals in 1000 Genomes database. This variant has been reported to the ClinVar database as Likely Pathogenic, but no details are available for independent assessment. The amino acid change p.Asn1417Ser in FBN1 is predicted as conserved by GERP++ and PhyloP across 100 vertebrates. The amino acid Asn at position 1417 is changed to a Ser changing protein sequence and it might alter its composition and physico-chemical properties. For these reasons, this variant has been classified as a Variant of Uncertain Significance VUS. Variants in FBN1 gene are also associated with Acromicric dysplasia, Familial Ectopia lentis, Geleophysic dysplasia 2, Marfan lipodystrophy syndrome, Marfan syndrome, and MASS syndrome with autosomal dominant inheritance.

Literature cited by the submitters: PubMed 37904629 (cited by Color Diagnostics, LLC DBA Color Health).

NM_000138.5(FBN1):c.4250A>G (p.Asn1417Ser)

Genes: FBN1 (fibrillin 1; minus strand), LOC126862124 (CDK7 strongly-dependent group 2 enhancer GRCh37_chr15:48764566-48765765; plus strand). Cytogenetic location: 15q21.1.
Variant type: single nucleotide variant.
Coding change: c.4250A>G on transcript NM_000138.5 (MANE Select); coding-DNA position 4250, A replaced by G.
Protein change: p.Asn1417Ser; replaces asparagine 1417 with serine.
Molecular consequence: missense variant.
Genome position (GRCh38, 1-based): chr15:48,472,637, T>C on the plus strand (A>G on the coding strand, the complement: FBN1 is on the minus strand). VCF-style: chr15-48472637-T-C. GRCh37 (hg19) VCF-style: chr15-48764834-T-C.
Other names: short protein forms N1417S.
Identifiers: ClinVar variation 976206 (VCV000976206.11), dbSNP rs768531262, ClinGen allele CA052377.